The following is an entry in ClinVar:

ClinVar aggregate classification (germline): Uncertain significance. Review status: criteria provided, multiple submitters, no conflicts (2 of 4 stars). 4 submissions from 4 submitters: Uncertain significance (4). Last evaluated 2022-09-27.

Conditions:
Intellectual disability, X-linked, with or without seizures, ARX-related. Also called: Mental retardation, X-linked 52; INTELLECTUAL DEVELOPMENTAL DISORDER, X-LINKED 29; MENTAL RETARDATION, X-LINKED 29; MENTAL RETARDATION, X-LINKED 32; MENTAL RETARDATION, X-LINKED 33; MENTAL RETARDATION, X-LINKED 38. Identifiers: Orphanet 777, MedGen C0796244, MONDO:0010317, OMIM 300419.
Developmental and epileptic encephalopathy, 1 (DEE1). Also called: X-linked infantile spasms; West's syndrome; Tonic spasms with clustering, arrest of psychomotor development and hypsarrhythmia on EEG; X-Linked Infantile Spasm Syndrome; Epileptic encephalopathy, early infantile, 1; OHTAHARA SYNDROME, X-LINKED. Identifiers: MedGen C3463992, MONDO:0010632, OMIM 308350. Disease mechanism: loss of function.
Inborn genetic diseases. Identifiers: MedGen C0950123, MeSH D030342.

Allele frequency attached by ClinVar (database versions not stated): gnomAD exomes below 0.00001; TOPMed 0.00002.

Submissions (4):

Labcorp Genetics (formerly Invitae), Labcorp
Classification: Uncertain significance for Developmental and epileptic encephalopathy, 1; Intellectual disability, X-linked, with or without seizures, ARX-related. Last evaluated: 2022-09-27. Review status: criteria provided, single submitter. Criteria: Invitae Variant Classification Sherloc (09022015). Collection method: clinical testing. Allele origin: germline.
Comment: This sequence change replaces alanine, which is neutral and non-polar, with threonine, which is neutral and polar, at codon 152 of the ARX protein (p.Ala152Thr). The frequency data for this variant in the population databases is considered unreliable, as metrics indicate insufficient coverage at this position in the gnomAD database. This variant has not been reported in the literature in individuals affected with ARX-related conditions. ClinVar contains an entry for this variant (Variation ID: 157758). Advanced modeling of protein sequence and biophysical properties (such as structural, functional, and spatial information, amino acid conservation, physicochemical variation, residue mobility, and thermodynamic stability) performed at Invitae indicates that this missense variant is not expected to disrupt ARX protein function. In summary, the available evidence is currently insufficient to determine the role of this variant in disease. Therefore, it has been classified as a Variant of Uncertain Significance.

Ambry Genetics
Classification: Uncertain significance for Inborn genetic diseases. Last evaluated: 2021-06-15. Review status: criteria provided, single submitter. Criteria: Ambry Variant Classification Scheme 2023. Collection method: clinical testing. Allele origin: germline.

GeneDx
Classification: Uncertain significance. Last evaluated: 2021-02-17. Review status: criteria provided, single submitter. Criteria: GeneDx Variant Classification Process June 2021. Collection method: clinical testing. Allele origin: germline. Affected: yes.
Comment: Not observed in large population cohorts (Lek et al., 2016); In silico analysis supports that this missense variant does not alter protein structure/function; Has not been previously published as pathogenic or benign to our knowledge

Genetic Services Laboratory, University of Chicago
Classification: Uncertain significance. Last evaluated: 2013-02-08. Review status: criteria provided, single submitter. Criteria: ACMG Guidelines, 2007. Collection method: clinical testing. Allele origin: germline. Inheritance: X-linked inheritance.

NM_139058.3(ARX):c.454G>A (p.Ala152Thr)

Genes: ARX (aristaless related homeobox; minus strand), LOC109610631 (aristaless related homeobox polyalanine expansion region; plus strand). Cytogenetic location: Xp21.3.
Variant type: single nucleotide variant.
Coding change: c.454G>A on transcript NM_139058.3 (MANE Select); coding-DNA position 454, G replaced by A.
Protein change: p.Ala152Thr; replaces alanine 152 with threonine.
Molecular consequence: missense variant.
Genome position (GRCh38, 1-based): chrX:25,013,541, C>T on the plus strand (G>A on the coding strand, the complement: ARX is on the minus strand). VCF-style: chrX-25013541-C-T. GRCh37 (hg19) VCF-style: chrX-25031658-C-T.
Other names: short protein forms A152T.
Identifiers: ClinVar variation 157758 (VCV000157758.11), dbSNP rs587783201, ClinGen allele CA233287.